The following is an entry in ClinVar:

ClinVar aggregate classification (germline): Pathogenic (1 of 4 stars; one submission).

Conditions:
Neuromuscular disease caused by qualitative or quantitative defects of dysferlin. Also called: Dysferlinopathy; Qualitative or quantitative defects of dysferlin. Identifiers: Orphanet 207073, MedGen C2931687, MONDO:0016145.

Submission:

Labcorp Genetics (formerly Invitae), Labcorp
Classification: Pathogenic for Neuromuscular disease caused by qualitative or quantitative defects of dysferlin. Last evaluated: 2022-07-27. Review status: criteria provided, single submitter. Criteria: Invitae Variant Classification Sherloc (09022015). Collection method: clinical testing. Allele origin: germline.
Comment: This variant is a gross deletion of the genomic region encompassing exon(s) 2-3 of the DYSF gene. This deletion is out-of-frame, and is expected to create a premature termination codon and result in an absent or disrupted protein product. Loss-of-function variants in DYSF are known to be pathogenic (PMID: 17698709, 20301480). This variant has not been reported in the literature in individuals affected with DYSF-related conditions. For these reasons, this variant has been classified as Pathogenic.

Literature cited by the submitters: PubMed 17698709; PubMed 20301480.

NC_000002.11:g.(?_71707993)_(71709120_?)del

Gene: DYSF (dysferlin; plus strand). Cytogenetic location: 2p13.2.
Variant type: Deletion.
Identifiers: ClinVar variation 2424698 (VCV002424698.3).